The following is an entry in ClinVar:

NM_000257.4(MYH7):c.-9+23T>C

Gene: MYH7 (myosin heavy chain 7; minus strand). Cytogenetic location: 14q11.2.
Variant type: single nucleotide variant.
Coding change: c.-9+23T>C on transcript NM_000257.4 (MANE Select); 23 bases into the intron after 9 bases upstream of the start codon, T replaced by C.
Molecular consequence: intron variant.
Genome position (GRCh38, 1-based): chr14:23,434,171, A>G on the plus strand (T>C on the coding strand, the complement: MYH7 is on the minus strand). VCF-style: chr14-23434171-A-G. GRCh37 (hg19) VCF-style: chr14-23903380-A-G.
Identifiers: ClinVar variation 1254616 (VCV001254616.6), dbSNP rs2239578, ClinGen allele CA15816354.

ClinVar aggregate classification (germline): Benign. Review status: criteria provided, multiple submitters, no conflicts (2 of 4 stars). 7 submissions from 3 submitters: Benign (6). 1 of the submissions does not count toward it. Last evaluated 2021-09-05.

Conditions:
Myosin storage myopathy (CMYO7A). Also called: SCAPULOPERONEAL MUSCULAR DYSTROPHY; SCAPULOPERONEAL SYNDROME, MYOPATHIC TYPE; MYOPATHY, HYALINE BODY, AUTOSOMAL DOMINANT; MYOPATHY WITH LYSIS OF TYPE I MYOFIBRILS; MYH7-related late-onset scapuloperoneal muscular dystrophy; Congenital myopathy 7A, myosin storage, autosomal dominant. Identifiers: Orphanet 437572, Orphanet 636965, MedGen C1842160, MONDO:0008409, OMIM 608358.
Dilated cardiomyopathy 1S (CMD1S). Identifiers: Orphanet 154, Orphanet 54260, MedGen C1834481, MONDO:0013262, OMIM 613426.
MYH7-related skeletal myopathy. Also called: Myopathy, distal, 1; Laing distal myopathy; Laing early-onset distal myopathy; MYOPATHY, DISTAL, EARLY-ONSET, AUTOSOMAL DOMINANT; MYOPATHY, LATE DISTAL HEREDITARY. Identifiers: Orphanet 59135, MedGen C4552004, MONDO:0008050, OMIM 160500.
Myopathy, myosin storage, autosomal recessive (CMYO7B). Also called: CONGENITAL MYOPATHY 7B, MYOSIN STORAGE, AUTOSOMAL RECESSIVE. Identifiers: Orphanet 636970, MedGen C1850709, MONDO:0009708, OMIM 255160.

Allele frequency attached by ClinVar (database versions not stated): gnomAD 0.51497 and 0.51695; 1000 Genomes Project 30x 0.51733; TOPMed 0.52222; 1000 Genomes Project 0.52316.
gnomAD v4.1: 517,505 of 1,056,418 alleles (49%); highest among the groups gnomAD compares: African/African-American, 63%; 128,146 homozygotes.

Submissions (7):

Genome-Nilou Lab
Classification: Benign for Dilated cardiomyopathy 1S. Last evaluated: 2021-09-05. Review status: criteria provided, single submitter. Criteria: ACMG Guidelines, 2015. Collection method: clinical testing. Allele origin: germline. Affected: no.

Genome-Nilou Lab
Classification: Benign for Myopathy, myosin storage, autosomal recessive. Last evaluated: 2021-09-05. Review status: criteria provided, single submitter. Criteria: ACMG Guidelines, 2015. Collection method: clinical testing. Allele origin: germline. Affected: no.

Genome-Nilou Lab
Classification: Benign for Myosin storage myopathy. Last evaluated: 2021-09-05. Review status: criteria provided, single submitter. Criteria: ACMG Guidelines, 2015. Collection method: clinical testing. Allele origin: germline. Affected: no.

Genome-Nilou Lab
Classification: Benign for MYH7-related skeletal myopathy. Last evaluated: 2021-09-05. Review status: criteria provided, single submitter. Criteria: ACMG Guidelines, 2015. Collection method: clinical testing. Allele origin: germline. Affected: no.

GeneDx
Classification: Benign. Last evaluated: 2018-06-23. Review status: criteria provided, single submitter. Criteria: GeneDx Variant Classification Process June 2021. Collection method: clinical testing. Allele origin: germline. Affected: yes.

Breakthrough Genomics
Classification: Benign. Review status: criteria provided, single submitter. Criteria: ACMG Guidelines, 2015. Collection method: not provided. Allele origin: germline. Inheritance: Autosomal recessive inheritance. Affected: yes.

Genome-Nilou Lab
Classification: Benign for Myosin storage myopathy. Last evaluated: 2021-09-05. Review status: flagged submission. Criteria: ACMG Guidelines, 2015. Collection method: clinical testing. Allele origin: germline. Affected: no. Not counted in ClinVar's aggregate classification.
ClinVar note: Reason: This record appears to be redundant with a more recent record from the same submitter.
ClinVar note: Notes: SCV002016163 appears to be redundant with SCV002016165.